The following is an entry in ClinVar:

ClinVar aggregate classification (germline): Likely pathogenic (1 of 4 stars; one submission).

Conditions:
Inborn genetic diseases. Identifiers: MedGen C0950123, MeSH D030342.

Submission:

Ambry Genetics
Classification: Likely pathogenic for Inborn genetic diseases. Last evaluated: 2025-12-29. Review status: criteria provided, single submitter. Criteria: Ambry Variant Classification Scheme 2023. Collection method: clinical testing. Allele origin: germline.
Comment: The c.2562_2565delTGGCinsG (p.G855del) alteration, located in coding exon 19 of the ATP1A3 gene, results from an in-frame deletion of 4 and insertion of 1 nucleotides from positions 2562 to 2565. This results in the deletion of the glycine (G) residue at codon 855. This variant was not reported in population-based cohorts in the Genome Aggregation Database (gnomAD). This amino acid position is highly conserved in available vertebrate species. Based on internal structural analysis, this variant is anticipated to result in a significant decrease in structural stability (Kanai, 2022; Nguyen, 2022; Ambry internal data). This alteration is predicted to be deleterious by in silico analysis (Choi, 2012). Based on the available evidence, this alteration is classified as likely pathogenic.

Literature cited by the submitters: PubMed 35380894; PubMed 36075933.

NM_152296.5(ATP1A3):c.2562_2565delinsG (p.Gly855del)

Gene: ATP1A3 (ATPase Na+/K+ transporting subunit alpha 3; minus strand). Cytogenetic location: 19q13.2.
Variant type: Indel.
Coding change: c.2562_2565delinsG on transcript NM_152296.5 (MANE Select); coding-DNA positions 2562 to 2565, TGGC replaced by G.
Protein change: p.Gly855del; deletes glycine 855.
Genome position (GRCh38, 1-based): chr19:41,969,558-41,969,561, GCCA replaced by C on the plus strand (TGGC replaced by G on the coding strand, the reverse complement: ATP1A3 is on the minus strand). VCF-style: chr19-41969558-GCCA-C. GRCh37 (hg19) VCF-style: chr19-42473710-GCCA-C.
Other names: c.2595_2598delinsG, p.Gly866del (NM_001256213.2); c.2601_2604delinsG, p.Gly868del (NM_001256214.2); short protein forms G868del, G855del, G866del.
Identifiers: ClinVar variation 4830592 (VCV004830592.1).
Genomic context (GRCh38, chr19:41,969,558, plus strand): 5'-GCCCACCAGGTTGCCGGGCAAGAAGCCATTTTCTGCCAGGATCACAAAGTAAGAGAAGAA[GCCA>C]CCGAGAGCCTGGATCATTCCTGGAAGGAGGAGAGAGGAAGCCGAGGAGAGGCTCAGATTG-3'